The following is an entry in ClinVar:

NM_006231.4(POLE):c.3997A>G (p.Ile1333Val)

Gene: POLE (DNA polymerase epsilon, catalytic subunit; minus strand). Cytogenetic location: 12q24.33.
Variant type: single nucleotide variant.
Coding change: c.3997A>G on transcript NM_006231.4 (MANE Select); coding-DNA position 3997, A replaced by G.
Protein change: p.Ile1333Val; replaces isoleucine 1333 with valine.
Molecular consequence: missense variant.
Genome position (GRCh38, 1-based): chr12:132,649,314, T>C on the plus strand (A>G on the coding strand, the complement: POLE is on the minus strand). VCF-style: chr12-132649314-T-C. GRCh37 (hg19) VCF-style: chr12-133225900-T-C.
Other names: c.3997A>G (NM_006231.2); short protein forms I1333V.
Identifiers: ClinVar variation 540754 (VCV000540754.9), dbSNP rs751467689, ClinGen allele CA6893035.

ClinVar aggregate classification (germline): Uncertain significance. Review status: criteria provided, multiple submitters, no conflicts (2 of 4 stars). 2 submissions from 2 submitters: Uncertain significance (2). Last evaluated 2025-11-10.

Conditions:
Hereditary cancer-predisposing syndrome. Also called: Neoplastic Syndromes, Hereditary; Hereditary Cancer Syndrome; Hereditary neoplastic syndrome; Tumor predisposition. Identifiers: Orphanet 140162, MedGen C0027672, MeSH D009386, MONDO:0015356.

Allele frequency attached by ClinVar (database versions not stated): gnomAD exomes 0.00002 and 0.00003; ExAC 0.00006.
gnomAD v4.1: 26 of 1,613,552 alleles (0.0016%); highest among the groups gnomAD compares: South Asian, 0.025%; no homozygotes.

Submissions (2):

Labcorp Genetics (formerly Invitae), Labcorp
Classification: Uncertain significance. Last evaluated: 2025-11-10. Review status: criteria provided, single submitter. Criteria: Invitae Variant Classification Sherloc (09022015). Collection method: clinical testing. Allele origin: germline.
Comment: This sequence change replaces isoleucine, which is neutral and non-polar, with valine, which is neutral and non-polar, at codon 1333 of the POLE protein (p.Ile1333Val). This variant is present in population databases (rs751467689, gnomAD 0.03%). This variant has not been reported in the literature in individuals affected with POLE-related conditions. ClinVar contains an entry for this variant (Variation ID: 540754). Invitae Evidence Modeling of protein sequence and biophysical properties (such as structural, functional, and spatial information, amino acid conservation, physicochemical variation, residue mobility, and thermodynamic stability) indicates that this missense variant is not expected to disrupt POLE protein function with a negative predictive value of 80%. In summary, the available evidence is currently insufficient to determine the role of this variant in disease. Therefore, it has been classified as a Variant of Uncertain Significance.

Ambry Genetics
Classification: Uncertain significance for Hereditary cancer-predisposing syndrome. Last evaluated: 2024-06-20. Review status: criteria provided, single submitter. Criteria: Ambry Variant Classification Scheme 2023. Collection method: clinical testing. Allele origin: germline.
Comment: The p.I1333V variant (also known as c.3997A>G), located in coding exon 31 of the POLE gene, results from an A to G substitution at nucleotide position 3997. The isoleucine at codon 1333 is replaced by valine, an amino acid with highly similar properties. This amino acid position is conserved. In addition, this alteration is predicted to be tolerated by in silico analysis. Based on the available evidence, the clinical significance of this variant remains unclear.